The following is an entry in ClinVar:

NM_001363540.2(DOCK4):c.2878C>A (p.Arg960Ser)

Gene: DOCK4 (dedicator of cytokinesis 4; minus strand). Cytogenetic location: 7q31.1.
Variant type: single nucleotide variant.
Coding change: c.2878C>A on transcript NM_001363540.2 (MANE Select); coding-DNA position 2878, C replaced by A.
Protein change: p.Arg960Ser; replaces arginine 960 with serine.
Molecular consequence: missense variant.
Genome position (GRCh38, 1-based): chr7:111,822,414, G>T on the plus strand (C>A on the coding strand, the complement: DOCK4 is on the minus strand). VCF-style: chr7-111822414-G-T. GRCh37 (hg19) VCF-style: chr7-111462470-G-T.
Other names: c.2878C>A (NM_001363540.1); c.2878C>A, p.Arg960Ser (NM_014705.4); short protein forms R960S.
Identifiers: ClinVar variation 717552 (VCV000717552.15), dbSNP rs186031092, ClinGen allele CA4442028.
Genomic context (GRCh38, chr7:111,822,414, plus strand): 5'-TGTCTTACTTGTTAGCAACCAAGCGCATAACAGTCCAGTCCTTTGGAAACATCTCCGGGC[G>T]TATCAATATTCGGAACACAGTAAATATCTGCAGCAGGAAATCCTTGGATAAGGAGAAAAT-3'
Protein context (NP_001350469.1, residues 950-970): QIFTVFRILI[Arg960Ser]PEMFPKDWTV

ClinVar aggregate classification (germline): Benign/Likely benign. Review status: criteria provided, multiple submitters, no conflicts (2 of 4 stars). 3 submissions from 3 submitters: Benign (1); Likely benign (1). 1 of the submissions does not count toward it. Last evaluated 2026-08-01.

Conditions:
DOCK4-related disorder. Also called: DOCK4-related condition.

Allele frequency attached by ClinVar (database versions not stated): 1000 Genomes Project 30x 0.00047; 1000 Genomes Project 0.00060; gnomAD 0.00163; TOPMed 0.00166; ESP Exome Variant Server 0.00286.
gnomAD v4.1: 4,111 of 1,613,514 alleles (0.25%); highest among the groups gnomAD compares: Non-Finnish European, 0.33%; 8 homozygotes.

Submissions (3):

CeGaT Center for Human Genetics Tuebingen
Classification: Benign. Last evaluated: 2026-08-01. Review status: criteria provided, single submitter. Criteria: CeGaT Center For Human Genetics Tuebingen Variant Classification Criteria Version 2. Collection method: clinical testing. Allele origin: germline. Affected: yes. Observed: 6 variant alleles.
Comment: DOCK4: BS1, BS2

Labcorp Genetics (formerly Invitae), Labcorp
Classification: Likely benign. Last evaluated: 2018-04-12. Review status: criteria provided, single submitter. Criteria: Invitae Variant Classification Sherloc (09022015). Collection method: clinical testing. Allele origin: germline.

PreventionGenetics, part of Exact Sciences
Classification: Likely benign for DOCK4-related condition. Last evaluated: 2022-06-22. Review status: no assertion criteria provided. Collection method: clinical testing. Allele origin: germline. Not counted in ClinVar's aggregate classification.
Comment: This variant is classified as likely benign based on ACMG/AMP sequence variant interpretation guidelines (Richards et al. 2015 PMID: 25741868, with internal and published modifications).